The following is an entry in ClinVar:

ClinVar aggregate classification (germline): Likely benign (0 of 4 stars; one submission).

Conditions:
ATG2B-related disorder. Also called: ATG2B-related condition.

Allele frequency attached by ClinVar (database versions not stated): ExAC 0.00027; gnomAD 0.00069; ESP Exome Variant Server 0.00115; 1000 Genomes Project 0.00120; 1000 Genomes Project 30x 0.00125.
gnomAD v4.1: 226 of 1,614,162 alleles (0.014%); highest among the groups gnomAD compares: African/African-American, 0.25%; no homozygotes.

Submission:

PreventionGenetics, part of Exact Sciences
Classification: Likely benign for ATG2B-related condition. Last evaluated: 2022-08-29. Review status: no assertion criteria provided. Collection method: clinical testing. Allele origin: germline.
Comment: This variant is classified as likely benign based on ACMG/AMP sequence variant interpretation guidelines (Richards et al. 2015 PMID: 25741868, with internal and published modifications).

NM_018036.7(ATG2B):c.3433C>T (p.Pro1145Ser)

Gene: ATG2B (autophagy related 2B; minus strand). Cytogenetic location: 14q32.2.
Variant type: single nucleotide variant.
Coding change: c.3433C>T on transcript NM_018036.7 (MANE Select); coding-DNA position 3433, C replaced by T.
Protein change: p.Pro1145Ser; replaces proline 1145 with serine.
Molecular consequence: missense variant.
Genome position (GRCh38, 1-based): chr14:96,315,512, G>A on the plus strand (C>T on the coding strand, the complement: ATG2B is on the minus strand). VCF-style: chr14-96315512-G-A. GRCh37 (hg19) VCF-style: chr14-96781849-G-A.
Other names: short protein forms P1145S.
Identifiers: ClinVar variation 3056752 (VCV003056752.2), dbSNP rs200823414, ClinGen allele CA7336240.